The following is an entry in ClinVar:

ClinVar aggregate classification (germline): Uncertain significance (1 of 4 stars; one submission).

Conditions:
KBG syndrome (KBGS). Also called: ANKRD11-Related KBG Syndrome. Identifiers: Orphanet 2332, MedGen C0220687, MONDO:0007846, OMIM 148050.

gnomAD v4.1: 10 of 1,602,004 alleles (0.00062%); highest among the groups gnomAD compares: Non-Finnish European, 0.00085%; no homozygotes.

Submission:

Labcorp Genetics (formerly Invitae), Labcorp
Classification: Uncertain significance for KBG syndrome. Last evaluated: 2024-11-18. Review status: criteria provided, single submitter. Criteria: Invitae Variant Classification Sherloc (09022015). Collection method: clinical testing. Allele origin: germline.
Comment: This sequence change replaces proline, which is neutral and non-polar, with leucine, which is neutral and non-polar, at codon 1834 of the ANKRD11 protein (p.Pro1834Leu). This variant is present in population databases (rs750800829, gnomAD 0.003%). This variant has not been reported in the literature in individuals affected with ANKRD11-related conditions. Invitae Evidence Modeling of protein sequence and biophysical properties (such as structural, functional, and spatial information, amino acid conservation, physicochemical variation, residue mobility, and thermodynamic stability) indicates that this missense variant is not expected to disrupt ANKRD11 protein function with a negative predictive value of 95%. In summary, the available evidence is currently insufficient to determine the role of this variant in disease. Therefore, it has been classified as a Variant of Uncertain Significance.

NM_013275.6(ANKRD11):c.5501C>T (p.Pro1834Leu)

Gene: ANKRD11 (ankyrin repeat domain 11; minus strand). Cytogenetic location: 16q24.3.
Variant type: single nucleotide variant.
Coding change: c.5501C>T on transcript NM_013275.6 (MANE Select); coding-DNA position 5501, C replaced by T.
Protein change: p.Pro1834Leu; replaces proline 1834 with leucine.
Molecular consequence: missense variant.
Genome position (GRCh38, 1-based): chr16:89,281,041, G>A on the plus strand (C>T on the coding strand, the complement: ANKRD11 is on the minus strand). VCF-style: chr16-89281041-G-A. GRCh37 (hg19) VCF-style: chr16-89347449-G-A.
Other names: c.5501C>T, p.Pro1834Leu (NM_001256182.2, NM_001256183.2); short protein forms P1834L.
Identifiers: ClinVar variation 3702196 (VCV003702196.2).
Genomic context (GRCh38, chr16:89,281,041, plus strand): 5'-TCTGGGGAGTAGTACCCTGGCGACAAGCAGGCAAACTTCTCCGCGGGAACCGGGGGCAGG[G>A]GCGCCCTGTCTTCCATCGAGGGTGGCATGGGAGAGTCGTAGCTGGAGGCAGCAGGAACGC-3'
Protein context (NP_037407.4, residues 1824-1844): PMPPSMEDRA[Pro1834Leu]LPPVPAEKFA